The following is an entry in ClinVar:

ClinVar aggregate classification (germline): Uncertain significance. Review status: criteria provided, multiple submitters, no conflicts (2 of 4 stars). 2 submissions from 2 submitters: Uncertain significance (2). Last evaluated 2025-03-31.

Conditions:
VPS33B-related disorder. Also called: VPS33B-related condition.
Keratoderma-ichthyosis-deafness syndrome, autosomal recessive (KDIDAR). Identifiers: MedGen C5774200, MONDO:0859278, OMIM 620009.
Cholestasis, progressive familial intrahepatic, 12 (PFIC12). Also called: CHOLESTASIS, ISOLATED LOW-GGT. Identifiers: MedGen C5774311, MONDO:0031040, OMIM 620010.
Arthrogryposis, renal dysfunction, and cholestasis 1 (ARCS1). Identifiers: Orphanet 2697, MedGen C1859722, MONDO:0008822, OMIM 208085.

gnomAD v4.1: 5 of 1,614,030 alleles (0.00031%); highest among the groups gnomAD compares: African/African-American, 0.0053%; no homozygotes.

Submissions (2):

PreventionGenetics, part of Exact Sciences
Classification: Uncertain significance for VPS33B-related condition. Last evaluated: 2025-03-31. Review status: criteria provided, single submitter. Criteria: ACMG Guidelines, 2015. Collection method: clinical testing. Allele origin: germline.
Comment: The VPS33B c.1697G>C variant is predicted to result in the amino acid substitution p.Arg566Pro. To our knowledge, this variant has not been reported in the literature or in a large population database (gnomAD), indicating this variant is rare. At this time, the clinical significance of this variant is uncertain due to the absence of conclusive functional and genetic evidence.

Fulgent Genetics
Classification: Uncertain significance for Arthrogryposis, renal dysfunction, and cholestasis 1; Keratoderma-ichthyosis-deafness syndrome, autosomal recessive; Cholestasis, progressive familial intrahepatic, 12. Last evaluated: 2024-03-07. Review status: criteria provided, single submitter. Criteria: ACMG Guidelines, 2015. Collection method: clinical testing. Allele origin: germline.

NM_018668.5(VPS33B):c.1697G>C (p.Arg566Pro)

Gene: VPS33B (VPS33B late endosome and lysosome associated; minus strand). Cytogenetic location: 15q26.1.
Variant type: single nucleotide variant.
Coding change: c.1697G>C on transcript NM_018668.5 (MANE Select); coding-DNA position 1697, G replaced by C.
Protein change: p.Arg566Pro; replaces arginine 566 with proline.
Molecular consequence: missense variant.
Genome position (GRCh38, 1-based): chr15:90,999,754, C>G on the plus strand (G>C on the coding strand, the complement: VPS33B is on the minus strand). VCF-style: chr15-90999754-C-G. GRCh37 (hg19) VCF-style: chr15-91542984-C-G.
Other names: c.1616G>C, p.Arg539Pro (NM_001289148.1); c.1424G>C, p.Arg475Pro (NM_001289149.1); short protein forms R475P, R539P, R566P.
Identifiers: ClinVar variation 3578170 (VCV003578170.2).
Genomic context (GRCh38, chr15:90,999,754, plus strand): 5'-AACCGGAGGGCTGAGATCTCAGAGAATGTACAACCACCCAAGAACACCACCAAGATGAGG[C>G]GCAGGGACTCACTGGAAGCCTTGTCTTCCTTAGTCATATCTGTGAGGATCAGACCAGATT-3'
Protein context (NP_061138.3, residues 556-576): KEDKASSESL[Arg566Pro]LILVVFLGGC